The following is an entry in ClinVar:

NC_000010.10:g.(?_13160868)_(13161060_?)dup

Gene: OPTN (optineurin; plus strand). Cytogenetic location: 10p13.
Variant type: Duplication.
Identifiers: ClinVar variation 2426702 (VCV002426702.6).

ClinVar aggregate classification (germline): Uncertain significance (1 of 4 stars; one submission).

Conditions:
Glaucoma 1, open angle, E. Identifiers: MedGen C1842026, MONDO:0007665.
Primary open angle glaucoma (POAG). Also called: OPTN-related open angle glaucoma. Identifiers: MedGen C0339573, MONDO:0100553, OMIM 137760.
Amyotrophic lateral sclerosis type 12 (ALS12). Also called: AMYOTROPHIC LATERAL SCLEROSIS 12 WITH OR WITHOUT FRONTOTEMPORAL DEMENTIA. Identifiers: Orphanet 803, MedGen C3150692, MONDO:0013264, OMIM 613435.

Submission:

Labcorp Genetics (formerly Invitae), Labcorp
Classification: Uncertain significance for Primary open angle glaucoma; Glaucoma 1, open angle, E; Amyotrophic lateral sclerosis type 12. Last evaluated: 2023-02-22. Review status: criteria provided, single submitter. Criteria: Invitae Variant Classification Sherloc (09022015). Collection method: clinical testing. Allele origin: germline.
Comment: This variant results in a copy number gain of the genomic region encompassing exon(s) 6 of the OPTN gene. While the exact position of this variant cannot be determined from the data, sub-genic copy number gains are generally in tandem (PMID: 25640679). This variant is predicted to be in-frame, and likely preserves the integrity of the reading frame. This variant has not been reported in the literature in individuals affected with OPTN-related conditions. Experimental studies and prediction algorithms are not available or were not evaluated, and the functional significance of this variant is currently unknown. In summary, the available evidence is currently insufficient to determine the role of this variant in disease. Therefore, it has been classified as a Variant of Uncertain Significance.

Literature cited by the submitters: PubMed 25640679.